The following is an entry in ClinVar:

NM_007294.4(BRCA1):c.4986+5G>A

Gene: BRCA1 (BRCA1 DNA repair associated; minus strand). Cytogenetic location: 17q21.31.
Variant type: single nucleotide variant.
Coding change: c.4986+5G>A on transcript NM_007294.4 (MANE Select); 5 bases into the intron after coding-DNA position 4986, G replaced by A.
Molecular consequence: intron variant.
Genome position (GRCh38, 1-based): chr17:43,070,923, C>T on the plus strand (G>A on the coding strand, the complement: BRCA1 is on the minus strand). VCF-style: chr17-43070923-C-T. GRCh37 (hg19) VCF-style: chr17-41222940-C-T.
Other names: IVS16+5G>A; c.1533+5G>A (NM_001408458.1, NM_001408461.1, NM_001408464.1 and 7 more transcripts); c.4095+5G>A (NM_001407967.1); c.4605+5G>A (NM_001407959.1); c.4719+5G>A (NM_001407931.1, NM_001407932.1, NM_001407928.1 and 4 more transcripts); c.4842+5G>A (NM_001407747.1, NM_001407745.1, NM_001407737.1 and 21 more transcripts); c.4602+5G>A (NM_001407962.1, NM_001407960.1); c.1173+5G>A (NM_001408512.1); and 72 more.
Identifiers: ClinVar variation 96936 (VCV000096936.22), dbSNP rs397509211, ClinGen allele CA003124.
Genomic context (GRCh38, chr17:43,070,923, plus strand): 5'-ATAAAACTCTTTCCAGAATGTTGTTAAGTCTTAGTCATTAGGGAGATACATATGGATACA[C>T]TCACAAATTCTTCTGGGGTCAGGCCAGACACCACCATGGACATTCTTTTGTTGACCCTTT-3'

ClinVar aggregate classification (germline): Pathogenic/Likely pathogenic. Review status: criteria provided, multiple submitters, no conflicts (2 of 4 stars). 8 submissions from 8 submitters: Pathogenic (3); Likely pathogenic (1). 4 of the submissions do not count toward it. Last evaluated 2025-11-12.

Conditions:
Hereditary cancer-predisposing syndrome. Also called: Hereditary Cancer Syndrome; Neoplastic Syndromes, Hereditary; Hereditary neoplastic syndrome; Tumor predisposition. Identifiers: Orphanet 140162, MedGen C0027672, MeSH D009386, MONDO:0015356.
Breast-ovarian cancer, familial, susceptibility to, 1 (BROVCA1). Also called: BRCA1 Hereditary Breast and Ovarian Cancer; OVARIAN CANCER, SUSCEPTIBILITY TO. Identifiers: Orphanet 145, MedGen C2676676, MONDO:0011450, OMIM 604370. Disease mechanism: loss of function.
Breast carcinoma. Also called: Carcinoma of breast. Identifiers: MedGen C0678222, MONDO:0004989, HP:0003002.
Hereditary breast ovarian cancer syndrome. Also called: Hereditary breast and/or ovarian cancer syndrome; Hereditary breast and ovarian cancer syndrome; Hereditary breast and ovarian cancer; Hereditary breast and ovarian cancer syndrome (HBOC); Breast and ovarian cancer; BRCA1- and BRCA2-Associated Hereditary Breast and Ovarian Cancer. Identifiers: Orphanet 145, MedGen C0677776, MeSH D061325, MONDO:0003582. Disease mechanism: loss of function.
Familial cancer of breast. Also called: hereditary breast carcinoma; Hereditary breast cancer; BREAST CANCER, FAMILIAL. Identifiers: Orphanet 227535, MedGen C0346153, MONDO:0016419, OMIM 114480. Disease mechanism: loss of function.

Submissions (9):

Labcorp Genetics (formerly Invitae), Labcorp
Classification: Pathogenic for Hereditary breast ovarian cancer syndrome. Last evaluated: 2025-11-12. Review status: criteria provided, single submitter. Criteria: Invitae Variant Classification Sherloc (09022015). Collection method: clinical testing. Allele origin: germline.
Comment: This sequence change falls in intron 15 of the BRCA1 gene. It does not directly change the encoded amino acid sequence of the BRCA1 protein. RNA analysis indicates that this variant induces altered splicing and may result in an absent or altered protein product. This variant is not present in population databases (gnomAD no frequency). This variant has been observed in individual(s) with breast cancer (PMID: 23239986). ClinVar contains an entry for this variant (Variation ID: 96936). Variants that disrupt the consensus splice site are a relatively common cause of aberrant splicing (PMID: 17576681, 9536098). Studies have shown that this variant alters mRNA splicing and is expected to lead to the loss of protein expression (PMID: 23239986, 23451180). For these reasons, this variant has been classified as Pathogenic.

Ambry Genetics
Classification: Pathogenic for Hereditary cancer-predisposing syndrome. Last evaluated: 2022-10-03. Review status: criteria provided, single submitter. Criteria: Ambry Variant Classification Scheme 2023. Collection method: clinical testing. Allele origin: germline.
Comment: The c.4986+5G>A intronic pathogenic mutation results from a G to A substitution 5 nucleotides after coding exon 14 in the BRCA1 gene. This alteration was identified in a cohort of Chinese ovarian cancer patients (Deng H et al. Mol Genet Genomic Med. 2019 Jun;7:e672). In silico splice site analysis predicts that this alteration will weaken the native splice donor site. This alteration has been shown to lead to retention of 65 nucleotides of the affected intron leading to a predicted frameshift (Ambry internal data; Colombo M et al. PLoS ONE, 2013 Feb;8:e57173; Wappenschmidt B et al. PLoS ONE, 2012 Dec;7:e50800). This alteration was also shown to be non-functional in a high throughput genome editing haploid cell survival assay (Findlay GM et al. Nature, 2018 10;562:217-222). Similar alterations have also been shown to lead to the same splice defect (Azzollini J et al. Eur. J. Intern. Med., 2016 Jul;32:65-71; Vreeswijk MP et al. Hum. Mutat., 2009 Jan;30:107-14). Based on the supporting evidence, this alteration is interpreted as a disease-causing mutation.

Women's Health and Genetics/Laboratory Corporation of America, LabCorp
Classification: Likely pathogenic for Hereditary breast and ovarian cancer syndrome. Last evaluated: 2017-12-21. Review status: criteria provided, single submitter. Criteria: LabCorp Variant Classification Summary - May 2015. Collection method: clinical testing. Allele origin: germline.
Comment: Variant summary: The BRCA1 c.4986+5G>A variant (alternatively known as IVS16+5G>A and 5105+5G>A) involves the alteration of a conserved intronic nucleotide and is predicted to impact splicing by 4/5 splice prediction tools. Mutation taster also predicts a damaging outcome for this variant. This variant is absent in 244498 control chromosomes (gnomAD). This variant has been reported in breast and pancreatic cancer patients in the literature (Wappenschmidt_2012, Mandelker_2017) and functional studies show that it leads to the retention of 65 nucleotides of the 5' end of intron 15 which leads to premature truncation of the BRCA1 protein (p.Met1663Valfs*14) (Wappenschmidt_2012, Colombo_2013). Other similar variants (c.4986+3G>C, c.4986+4A>G, c.4986+5G>T and c.4986+6T>C) were found to cause the incorporation of the 65 intronic nucleotides [Wappenschmidt_2012, Vreeswijk_2009 (PMID: 18693280)]. Multiple clinical diagnostic laboratories/reputable databases have classified this variant as likely pathogenic/pathogenic. Taken together, this variant is classified as likely pathogenic.

Consortium of Investigators of Modifiers of BRCA1/2 (CIMBA), c/o University of Cambridge
Classification: Pathogenic for Breast-ovarian cancer, familial, susceptibility to, 1. Last evaluated: 2015-10-02. Review status: criteria provided, single submitter. Criteria: CIMBA Mutation Classification guidelines May 2016. Collection method: clinical testing. Allele origin: germline.

Medical Genetics Laboratory, Umraniye Training and Research Hospital, University of Health Sciences
Classification: Likely pathogenic for Breast carcinoma. Last evaluated: 2021-08-24. Review status: no assertion criteria provided. Collection method: clinical testing. Allele origin: germline. Inheritance: Autosomal dominant inheritance. Affected: yes. Observed: 1 variant allele, 1 heterozygote. Not counted in ClinVar's aggregate classification.
Comment: Invasive Breast Carcinoma EST= + PRO = - HER2 = - KI = 70%

Breast Cancer Information Core (BIC) (BRCA1)
Classification: Uncertain significance for Breast-ovarian cancer, familial 1. Last evaluated: 2013-03-25. Review status: no assertion criteria provided. Collection method: clinical testing. Allele origin: germline. Affected: yes. Observed: 1 variant allele. Not counted in ClinVar's aggregate classification.

Sharing Clinical Reports Project (SCRP)
Classification: Pathogenic for Breast-ovarian cancer, familial 1. Last evaluated: 2011-01-24. Review status: no assertion criteria provided. Collection method: clinical testing. Allele origin: germline. Not counted in ClinVar's aggregate classification.

Brotman Baty Institute, University of Washington
No classification provided (evidence only). Condition: Breast-ovarian cancer, familial 1. Review status: no classification provided. Collection method: in vitro. Allele origin: not applicable. Functional consequence: functionally_abnormal. Not counted in ClinVar's aggregate classification.
ClinVar note: "not provided" was previously submitted as the classification for the variant. However, the classification appeared to be based only on an observation of functional data so it was converted to no classification on 2025-07-30.

Center for Precision Medicine, Meizhou People's Hospital
Classification: Likely pathogenic for Familial cancer of breast. Review status: no assertion criteria provided. Collection method: literature only. Allele origin: germline. Affected: yes. Not counted in ClinVar's aggregate classification.

Literature cited by the submitters: PubMed 23239986 (cited by 3 submitters); PubMed 17576681 (cited by Labcorp Genetics (formerly Invitae), Labcorp); PubMed 9536098 (cited by Labcorp Genetics (formerly Invitae), Labcorp); PubMed 23451180 (cited by 4 submitters); PubMed 18693280 (cited by Ambry Genetics); PubMed 27062684 (cited by Ambry Genetics); PubMed 29506128 (cited by Ambry Genetics); PubMed 30209399 (cited by Ambry Genetics); PubMed 30972954 (cited by Ambry Genetics); PubMed 28873162 (cited by Women's Health and Genetics/Laboratory Corporation of America, LabCorp and Center for Precision Medicine, Meizhou People's Hospital).